The following is an entry in ClinVar:

NM_152743.4(BRAT1):c.140T>C (p.Val47Ala)

Gene: BRAT1 (BRCA1 associated ATM activator 1; minus strand). Cytogenetic location: 7p22.3.
Variant type: single nucleotide variant.
Coding change: c.140T>C on transcript NM_152743.4 (MANE Select); coding-DNA position 140, T replaced by C.
Protein change: p.Val47Ala; replaces valine 47 with alanine.
Molecular consequence: missense variant. On other transcripts: 5 prime UTR variant (1), non-coding transcript variant (1).
Genome position (GRCh38, 1-based): chr7:2,547,466, A>G on the plus strand (T>C on the coding strand, the complement: BRAT1 is on the minus strand). VCF-style: chr7-2547466-A-G. GRCh37 (hg19) VCF-style: chr7-2587100-A-G.
Other names: c.140T>C, p.Val47Ala (NM_001350626.2); c.-238T>C (NM_001350627.2); short protein forms V47A.
Identifiers: ClinVar variation 1051100 (VCV001051100.7), dbSNP rs2128403683, ClinGen allele CA366633349.

ClinVar aggregate classification (germline): Uncertain significance (1 of 4 stars; one submission).

Conditions:
Neonatal-onset encephalopathy with rigidity and seizures. Also called: Lethal neonatal spasticity-epileptic encephalopathy syndrome. Identifiers: Orphanet 435845, MedGen C3281029, MONDO:0013784, OMIM 614498.

gnomAD v4.1: 1 of 1,613,998 alleles (0.000062%); no homozygotes.

Submission:

Labcorp Genetics (formerly Invitae), Labcorp
Classification: Uncertain significance for Neonatal-onset encephalopathy with rigidity and seizures. Last evaluated: 2020-06-30. Review status: criteria provided, single submitter. Criteria: Invitae Variant Classification Sherloc (09022015). Collection method: clinical testing. Allele origin: germline.
Comment: This sequence change replaces valine with alanine at codon 47 of the BRAT1 protein (p.Val47Ala). The valine residue is weakly conserved and there is a small physicochemical difference between valine and alanine. This variant is not present in population databases (ExAC no frequency). In summary, the available evidence is currently insufficient to determine the role of this variant in disease. Therefore, it has been classified as a Variant of Uncertain Significance. Algorithms developed to predict the effect of missense changes on protein structure and function (SIFT, PolyPhen-2, Align-GVGD) all suggest that this variant is likely to be tolerated, but these predictions have not been confirmed by published functional studies and their clinical significance is uncertain. This variant has not been reported in the literature in individuals with BRAT1-related conditions.